The following is an entry in ClinVar:

NM_000481.4(AMT):c.891A>G (p.Arg297=)

Gene: AMT (aminomethyltransferase; minus strand). Cytogenetic location: 3p21.31.
Variant type: single nucleotide variant.
Coding change: c.891A>G on transcript NM_000481.4 (MANE Select); coding-DNA position 891, A replaced by G.
Protein change: p.Arg297=; no amino-acid change (arginine 297 retained).
Molecular consequence: synonymous variant. On other transcripts: non-coding transcript variant (1).
Genome position (GRCh38, 1-based): chr3:49,417,960, T>C on the plus strand (A>G on the coding strand, the complement: AMT is on the minus strand). VCF-style: chr3-49417960-T-C. GRCh37 (hg19) VCF-style: chr3-49455393-T-C.
Other names: c.759A>G, p.Arg253= (NM_001164710.2); c.723A>G, p.Arg241= (NM_001164711.2); c.891A>G, p.Arg297= (NM_001164712.2).
Identifiers: ClinVar variation 750006 (VCV000750006.31), dbSNP rs763216113, ClinGen allele CA2398207.

ClinVar aggregate classification (germline): Likely benign. Review status: criteria provided, multiple submitters, no conflicts (2 of 4 stars). 3 submissions from 3 submitters: Likely benign (3). Last evaluated 2026-01-20.

Conditions:
Glycine encephalopathy. Also called: Non-ketotic hyperglycinemia; Nonketotic hyperglycinemia. Identifiers: Orphanet 407, MedGen C0751748, MONDO:0011612, HP:0008288.

Allele frequency attached by ClinVar (database versions not stated): TOPMed below 0.00001; gnomAD 0.00001; gnomAD exomes 0.00001; ExAC 0.00002.
gnomAD v4.1: 4 of 1,611,768 alleles (0.00025%); highest among the groups gnomAD compares: Middle Eastern, 0.017%; no homozygotes.

Submissions (3):

Labcorp Genetics (formerly Invitae), Labcorp
Classification: Likely benign for Glycine encephalopathy. Last evaluated: 2026-01-20. Review status: criteria provided, single submitter. Criteria: Invitae Variant Classification Sherloc (09022015). Collection method: clinical testing. Allele origin: germline.

Blueprint Genetics
Classification: Likely benign. Last evaluated: 2023-12-01. Review status: criteria provided, single submitter. Criteria: ACMG Guidelines, 2015. Collection method: clinical testing. Allele origin: germline.

CeGaT Center for Human Genetics Tuebingen
Classification: Likely benign. Last evaluated: 2023-03-01. Review status: criteria provided, single submitter. Criteria: CeGaT Center For Human Genetics Tuebingen Variant Classification Criteria Version 2. Collection method: clinical testing. Allele origin: germline. Affected: yes. Observed: 1 variant allele.
Comment: AMT: BP4, BP7